The following is an entry in ClinVar:

NM_004990.4(MARS1):c.2137C>T (p.Arg713Ter)

Gene: MARS1 (methionyl-tRNA synthetase 1; plus strand). Cytogenetic location: 12q13.3.
Variant type: single nucleotide variant.
Coding change: c.2137C>T on transcript NM_004990.4 (MANE Select); coding-DNA position 2137, C replaced by T.
Protein change: p.Arg713Ter; replaces arginine 713 with a stop codon.
Molecular consequence: nonsense.
Genome position (GRCh38, 1-based): chr12:57,514,991, C>T. VCF-style: chr12-57514991-C-T. GRCh37 (hg19) VCF-style: chr12-57908774-C-T.
Other names: short protein forms R713*.
Identifiers: ClinVar variation 1163540 (VCV001163540.7), dbSNP rs768201969, ClinGen allele CA6650719.

ClinVar aggregate classification (germline): Uncertain significance. Review status: criteria provided, multiple submitters, no conflicts (2 of 4 stars). 2 submissions from 2 submitters: Uncertain significance (2). Last evaluated 2025-09-12.

Conditions:
MARS1-related disorder. Also called: MARS1-related condition.

Allele frequency attached by ClinVar (database versions not stated): gnomAD exomes below 0.00001 and 0.00001; ExAC 0.00001.
gnomAD v4.1: 10 of 1,614,166 alleles (0.00062%); highest among the groups gnomAD compares: East Asian, 0.0022%; no homozygotes.

Submissions (2):

PreventionGenetics, part of Exact Sciences
Classification: Uncertain significance for MARS1-related condition. Last evaluated: 2025-09-12. Review status: criteria provided, single submitter. Criteria: ACMG Guidelines, 2015. Collection method: clinical testing. Allele origin: germline.
Comment: The MARS1 c.2137C>T variant is predicted to result in premature protein termination (p.Arg713*). To our knowledge, this variant has not been reported in the literature. This variant is reported in 0.00088% of alleles in individuals of European (non-Finnish) descent in gnomAD. A limited number of nonsense, frameshift, and splice variants have been reported in MARS1 and loss-of-function is not an established mechanism of MARS1-related disease. At this time, the clinical significance of this variant is uncertain due to the absence of conclusive functional and genetic evidence.

Mayo Clinic Laboratories, Mayo Clinic
Classification: Uncertain significance. Last evaluated: 2019-04-15. Review status: criteria provided, single submitter. Criteria: ACMG Guidelines, 2015. Collection method: clinical testing. Allele origin: germline.